The following is an entry in ClinVar:

ClinVar aggregate classification (germline): Uncertain significance (1 of 4 stars; one submission).

Conditions:
Nemaline myopathy 2 (NEM2). Also called: Nemaline myopathy 2, autosomal recessive. Identifiers: MedGen C1850569, MONDO:0009725, OMIM 256030.

Allele frequency attached by ClinVar (database versions not stated): ExAC 0.00001; gnomAD 0.00001.
gnomAD v4.1: 2 of 1,611,964 alleles (0.00012%); no homozygotes.

Submission:

Labcorp Genetics (formerly Invitae), Labcorp
Classification: Uncertain significance for Nemaline myopathy 2. Last evaluated: 2022-05-17. Review status: criteria provided, single submitter. Criteria: Invitae Variant Classification Sherloc (09022015). Collection method: clinical testing. Allele origin: germline.
Comment: This sequence change replaces tyrosine, which is neutral and polar, with histidine, which is basic and polar, at codon 2515 of the NEB protein (p.Tyr2515His). This variant is not present in population databases (gnomAD no frequency). This variant has not been reported in the literature in individuals affected with NEB-related conditions. Algorithms developed to predict the effect of missense changes on protein structure and function are either unavailable or do not agree on the potential impact of this missense change (SIFT: "Deleterious"; PolyPhen-2: "Not Available"; Align-GVGD: "Class C0"). In summary, the available evidence is currently insufficient to determine the role of this variant in disease. Therefore, it has been classified as a Variant of Uncertain Significance.

NM_001164508.2(NEB):c.7543T>C (p.Tyr2515His)

Gene: NEB (nebulin; minus strand). Cytogenetic location: 2q23.3.
Variant type: single nucleotide variant.
Coding change: c.7543T>C on transcript NM_001164508.2 (MANE Select); coding-DNA position 7543, T replaced by C.
Protein change: p.Tyr2515His; replaces tyrosine 2515 with histidine.
Molecular consequence: missense variant.
Genome position (GRCh38, 1-based): chr2:151,644,569, A>G on the plus strand (T>C on the coding strand, the complement: NEB is on the minus strand). VCF-style: chr2-151644569-A-G. GRCh37 (hg19) VCF-style: chr2-152501083-A-G.
Other names: c.7543T>C, p.Tyr2515His (NM_001164507.2, NM_001271208.2, NM_004543.5); short protein forms Y2515H.
Identifiers: ClinVar variation 1995414 (VCV001995414.1), dbSNP rs770326930, ClinGen allele CA1909817.